The following is an entry in ClinVar:

ClinVar aggregate classification (germline): Likely pathogenic (1 of 4 stars; one submission).

Conditions:
Glycogen storage disease, type I. Identifiers: Orphanet 364, MedGen C0017920, MONDO:0002413.

Submission:

Myriad Genetics, Inc.
Classification: Likely pathogenic for Glycogen storage disease, type I. Last evaluated: 2026-06-09. Review status: criteria provided, single submitter. Criteria: Myriad Autosomal Dominant, Autosomal Recessive and X-Linked Classification Criteria (2023). Collection method: clinical testing. Allele origin: unknown.
Comment: NM_001164277.1(SLC37A4):c.785G>A(G262D) is a missense variant classified as likely pathogenic in the context of glycogen storage disease type Ib. G262D has been observed in cases with relevant disease (PMID: 28685844). Relevant functional assessments of this variant are available in the literature (PMID: 28685844). G262D has been observed in referenced population frequency databases. In summary, NM_001164277.1(SLC37A4):c.785G>A(G262D) is a missense variant that has been observed more frequently in cases with the relevant disease than in healthy populations. Please note: this variant was assessed in the context of healthy population screening.

Literature cited by the submitters: PubMed 28685844.

NM_001164277.2(SLC37A4):c.785G>A (p.Gly262Asp)

Gene: SLC37A4 (solute carrier family 37 member 4; minus strand). Cytogenetic location: 11q23.3.
Variant type: single nucleotide variant.
Coding change: c.785G>A on transcript NM_001164277.2 (MANE Select); coding-DNA position 785, G replaced by A.
Protein change: p.Gly262Asp; replaces glycine 262 with aspartic acid.
Molecular consequence: missense variant.
Genome position (GRCh38, 1-based): chr11:119,026,688, C>T on the plus strand (G>A on the coding strand, the complement: SLC37A4 is on the minus strand). VCF-style: chr11-119026688-C-T. GRCh37 (hg19) VCF-style: chr11-118897398-C-T.
Other names: c.785G>A, p.Gly262Asp (NM_001164278.2, NM_001164280.2, NM_001467.6); c.566G>A, p.Gly189Asp (NM_001164279.2); short protein forms G189D, G262D.
Identifiers: ClinVar variation 5003599 (VCV005003599.1).
Genomic context (GRCh38, chr11:119,026,688, plus strand): 5'-TAGCCAGCTGCGATGCTGCCTACAAGGCCCCCAACTTCCAGGGCACTCATGTAGGAGCTA[C>T]CTGCAGTAGGGAGTTGTGGTGGGAAGAGGGAAGGGAAGGGTGGGAGGGTGTTACACATTG-3'
Protein context (NP_001157749.1, residues 252-272): IQEKGQSALV[Gly262Asp]SSYMSALEVG